The following is an entry in ClinVar:

ClinVar aggregate classification (germline): Uncertain significance (1 of 4 stars; one submission).

Allele frequency attached by ClinVar (database versions not stated): TOPMed below 0.00001; gnomAD exomes 0.00001 and 0.00002.
gnomAD v4.1: 12 of 1,479,942 alleles (0.00081%); highest among the groups gnomAD compares: Non-Finnish European, 0.0011%; no homozygotes.

Submission:

Labcorp Genetics (formerly Invitae), Labcorp
Classification: Uncertain significance. Last evaluated: 2020-12-01. Review status: criteria provided, single submitter. Criteria: Invitae Variant Classification Sherloc (09022015). Collection method: clinical testing. Allele origin: germline.
Comment: This sequence change falls in intron 1 of the RXYLT1 gene. It does not directly change the encoded amino acid sequence of the RXYLT1 protein. It affects a nucleotide within the consensus splice site of the intron. The frequency data for this variant in the population databases is considered unreliable, as metrics indicate insufficient coverage at this position in the ExAC database. This variant has not been reported in the literature in individuals with RXYLT1-related conditions. Nucleotide substitutions within the consensus splice site are a relatively common cause of aberrant splicing (PMID: 17576681, 9536098). Algorithms developed to predict the effect of sequence changes on RNA splicing suggest that this variant is not likely to affect RNA splicing, but this prediction has not been confirmed by published transcriptional studies. In summary, the available evidence is currently insufficient to determine the role of this variant in disease. Therefore, it has been classified as a Variant of Uncertain Significance.

Literature cited by the submitters: PubMed 17576681; PubMed 9536098.

NM_014254.3(RXYLT1):c.169+4G>C

Gene: RXYLT1 (ribitol xylosyltransferase 1; plus strand). Cytogenetic location: 12q14.2.
Variant type: single nucleotide variant.
Coding change: c.169+4G>C on transcript NM_014254.3 (MANE Select); 4 bases into the intron after coding-DNA position 169, G replaced by C.
Molecular consequence: intron variant. On other transcripts: 5 prime UTR variant (1).
Genome position (GRCh38, 1-based): chr12:63,780,133, G>C. VCF-style: chr12-63780133-G-C. GRCh37 (hg19) VCF-style: chr12-64173913-G-C.
Other names: c.-941G>C (NM_001278237.2).
Identifiers: ClinVar variation 1523791 (VCV001523791.3), dbSNP rs1048254548, ClinGen allele CA238223453.